The following is an entry in ClinVar:

ClinVar aggregate classification (germline): Uncertain significance (1 of 4 stars; one submission).

Conditions:
Aortic valve disease 2 (AOVD2). Identifiers: MedGen C3542024, MONDO:0013902, OMIM 614823.

Submission:

Institute of Human Genetics, University of Leipzig Medical Center
Classification: Uncertain significance for Aortic valve disease 2. Last evaluated: 2021-11-29. Review status: criteria provided, single submitter. Criteria: ACMG Guidelines, 2015. Collection method: clinical testing. Allele origin: unknown. Affected: yes.
Comment: _x000D_ Criteria applied: PM1_SUP, PM2_SUP, PP3

NM_005585.5(SMAD6):c.741C>G (p.Cys247Trp)

Gene: SMAD6 (SMAD family member 6; plus strand). Cytogenetic location: 15q22.31.
Variant type: single nucleotide variant.
Coding change: c.741C>G on transcript NM_005585.5 (MANE Select); coding-DNA position 741, C replaced by G.
Protein change: p.Cys247Trp; replaces cysteine 247 with tryptophan.
Molecular consequence: missense variant. On other transcripts: non-coding transcript variant (1).
Genome position (GRCh38, 1-based): chr15:66,703,999, C>G. VCF-style: chr15-66703999-C-G. GRCh37 (hg19) VCF-style: chr15-66996337-C-G.
Other names: short protein forms C247W.
Identifiers: ClinVar variation 1329896 (VCV001329896.1), dbSNP rs2140582642, ClinGen allele CA392950150.